The following is an entry in ClinVar:

NM_182961.4(SYNE1):c.4107T>A (p.Phe1369Leu)

Gene: SYNE1 (spectrin repeat containing nuclear envelope protein 1; minus strand). Cytogenetic location: 6q25.2.
Variant type: single nucleotide variant.
Coding change: c.4107T>A on transcript NM_182961.4 (MANE Select); coding-DNA position 4107, T replaced by A.
Protein change: p.Phe1369Leu; replaces phenylalanine 1369 with leucine.
Molecular consequence: missense variant.
Genome position (GRCh38, 1-based): chr6:152,441,172, A>T on the plus strand (T>A on the coding strand, the complement: SYNE1 is on the minus strand). VCF-style: chr6-152441172-A-T. GRCh37 (hg19) VCF-style: chr6-152762307-A-T.
Other names: p.Phe1376Leu; c.4128T>A, p.Phe1376Leu (NM_033071.5); short protein forms F1369L, F1376L.
Identifiers: ClinVar variation 196799 (VCV000196799.70), dbSNP rs149109801, ClinGen allele CA244179.

ClinVar aggregate classification (germline): Conflicting classifications of pathogenicity. Review status: criteria provided, conflicting classifications (1 of 4 stars). 13 submissions from 12 submitters: Uncertain significance (3); Benign (3); Likely benign (5). 2 of the submissions do not count toward it. Last evaluated 2026-05-01.

Conditions:
Autosomal recessive ataxia, Beauce type. Also called: SYNE1-Related Autosomal Recessive Cerebellar Ataxia; ATAXIA, RECESSIVE, OF BEAUCE; SYNE1 Deficiency; Spinocerebellar ataxia, autosomal recessive 8. Identifiers: Orphanet 88644, MedGen C1853116, MONDO:0012549, OMIM 610743.
Emery-Dreifuss muscular dystrophy 4, autosomal dominant (EDMD4). Also called: EMERY-DREIFUSS MUSCULAR DYSTROPHY 4 WITH VARIABLE FEATURES. Identifiers: Orphanet 261, MedGen C2751807, MONDO:0013071, OMIM 612998.

Allele frequency attached by ClinVar (database versions not stated): 1000 Genomes Project 0.00020; 1000 Genomes Project 30x 0.00031; ExAC 0.00150; gnomAD 0.00172; TOPMed 0.00206; ESP Exome Variant Server 0.00300.
gnomAD v4.1: 4,536 of 1,613,746 alleles (0.28%); highest among the groups gnomAD compares: Non-Finnish European, 0.36%; 8 homozygotes.

Submissions (13):

CeGaT Center for Human Genetics Tuebingen
Classification: Likely benign. Last evaluated: 2026-05-01. Review status: criteria provided, single submitter. Criteria: CeGaT Center For Human Genetics Tuebingen Variant Classification Criteria Version 2. Collection method: clinical testing. Allele origin: germline. Affected: yes. Observed: 8 variant alleles.
Comment: SYNE1: PP3, BS2

Labcorp Genetics (formerly Invitae), Labcorp
Classification: Likely benign for Emery-Dreifuss muscular dystrophy 4, autosomal dominant; Autosomal recessive ataxia, Beauce type. Last evaluated: 2026-02-01. Review status: criteria provided, single submitter. Criteria: Invitae Variant Classification Sherloc (09022015). Collection method: clinical testing. Allele origin: germline.

Blueprint Genetics
Classification: Likely benign. Last evaluated: 2024-11-15. Review status: criteria provided, single submitter. Criteria: ACMG Guidelines, 2015. Collection method: clinical testing. Allele origin: germline.

Mayo Clinic Laboratories, Mayo Clinic
Classification: Benign. Last evaluated: 2024-03-11. Review status: criteria provided, single submitter. Criteria: ACMG Guidelines, 2015. Collection method: clinical testing. Allele origin: germline. Observed: 4 variant alleles.
Comment: BS1, BS2

GeneDx
Classification: Likely benign. Last evaluated: 2020-12-18. Review status: criteria provided, single submitter. Criteria: GeneDx Variant Classification Process June 2021. Collection method: clinical testing. Allele origin: germline. Affected: yes.
Comment: In silico analysis, which includes protein predictors and evolutionary conservation, supports a deleterious effect

Athena Diagnostics
Classification: Benign. Last evaluated: 2018-11-23. Review status: criteria provided, single submitter. Criteria: Athena Diagnostics Criteria. Collection method: clinical testing. Allele origin: germline.

Baylor Genetics
Classification: Uncertain significance for Emery-Dreifuss muscular dystrophy 4, autosomal dominant. Last evaluated: 2018-07-16. Review status: criteria provided, single submitter. Criteria: ACMG Guidelines, 2015. Collection method: clinical testing. Allele origin: maternal. Affected: yes.
Comment: This variant was determined to be of uncertain significance according to ACMG Guidelines, 2015 [PMID:25741868].

Illumina Laboratory Services, Illumina
Classification: Benign for Emery-Dreifuss muscular dystrophy 4, autosomal dominant. Last evaluated: 2018-01-13. Review status: criteria provided, single submitter. Criteria: ICSL Variant Classification Criteria 13 December 2019. Collection method: clinical testing. Allele origin: germline.
Comment: This variant was observed in the ICSL laboratory as part of a predisposition screen in an ostensibly healthy population. It had not been previously curated by ICSL or reported in the Human Gene Mutation Database (HGMD: prior to June 1st, 2018), and was therefore a candidate for classification through an automated scoring system. Utilizing variant allele frequency, disease prevalence and penetrance estimates, and inheritance mode, an automated score was calculated to assess if this variant is too frequent to cause the disease. Based on the score and internal cut-off values, a variant classified as benign is not then subjected to further curation. The score for this variant resulted in a classification of benign for this disease.

Illumina Laboratory Services, Illumina
Classification: Uncertain significance for Autosomal recessive ataxia, Beauce type. Last evaluated: 2018-01-13. Review status: criteria provided, single submitter. Criteria: ICSL Variant Classification Criteria 13 December 2019. Collection method: clinical testing. Allele origin: germline.

Eurofins Ntd Llc (ga)
Classification: Likely benign. Last evaluated: 2016-06-01. Review status: criteria provided, single submitter. Criteria: EGL Classification Definitions 2015. Collection method: clinical testing. Allele origin: germline. Observed: 10 variant alleles, 10 heterozygotes.

Genetic Services Laboratory, University of Chicago
Classification: Uncertain significance. Last evaluated: 2015-08-19. Review status: criteria provided, single submitter. Criteria: ACMG Guidelines, 2015. Collection method: clinical testing. Allele origin: germline. Affected: no.

Clinical Genetics DNA and cytogenetics Diagnostics Lab, Erasmus MC, Erasmus Medical Center
Classification: Likely benign. Review status: no assertion criteria provided. Collection method: clinical testing. Allele origin: germline. Affected: yes. Study: VKGL Data-share Consensus. Not counted in ClinVar's aggregate classification.

Diagnostic Laboratory, Department of Genetics, University Medical Center Groningen
Classification: Likely benign. Review status: no assertion criteria provided. Collection method: clinical testing. Allele origin: germline. Affected: yes. Study: VKGL Data-share Consensus. Not counted in ClinVar's aggregate classification.